The following is an entry in ClinVar:

ClinVar aggregate classification (germline): Uncertain significance. Review status: criteria provided, multiple submitters, no conflicts (2 of 4 stars). 2 submissions from 2 submitters: Uncertain significance (2). Last evaluated 2025-10-01.

Conditions:
Gorlin syndrome. Also called: Nevoid Basal Cell Carcinoma Syndrome; Basal cell nevus syndrome. Identifiers: Orphanet 377, MedGen C0004779, MONDO:0007187.
Basal cell carcinoma, susceptibility to, 1. Also called: BCC1. Identifiers: MedGen C2751544, MONDO:0011556, OMIM 605462.

Allele frequency attached by ClinVar (database versions not stated): gnomAD exomes below 0.00001.
gnomAD v4.1: 1 of 1,613,456 alleles (0.000062%); highest among the groups gnomAD compares: Non-Finnish European, 0.000085%; no homozygotes.

Submissions (2):

Labcorp Genetics (formerly Invitae), Labcorp
Classification: Uncertain significance for Gorlin syndrome. Last evaluated: 2025-10-01. Review status: criteria provided, single submitter. Criteria: Invitae Variant Classification Sherloc (09022015). Collection method: clinical testing. Allele origin: germline.
Comment: This sequence change creates a premature translational stop signal (p.Gln1301*) in the PTCH1 gene. While this is not anticipated to result in nonsense mediated decay, it is expected to disrupt the last 147 amino acid(s) of the PTCH1 protein. This variant is not present in population databases (gnomAD no frequency). This variant has not been reported in the literature in individuals affected with PTCH1-related conditions. ClinVar contains an entry for this variant (Variation ID: 2678084). In summary, the available evidence is currently insufficient to determine the role of this variant in disease. Therefore, it has been classified as a Variant of Uncertain Significance.

Baylor Genetics
Classification: Uncertain significance for Basal cell carcinoma, susceptibility to, 1. Last evaluated: 2023-06-27. Review status: criteria provided, single submitter. Criteria: ACMG Guidelines, 2015. Collection method: clinical testing. Allele origin: unknown.

NM_000264.5(PTCH1):c.3901C>T (p.Gln1301Ter)

Gene: PTCH1 (patched 1; minus strand). Cytogenetic location: 9q22.32.
Variant type: single nucleotide variant.
Coding change: c.3901C>T on transcript NM_000264.5 (MANE Select); coding-DNA position 3901, C replaced by T.
Protein change: p.Gln1301Ter; replaces glutamine 1301 with a stop codon.
Molecular consequence: nonsense. On other transcripts: non-coding transcript variant (1).
Genome position (GRCh38, 1-based): chr9:95,447,355, G>A on the plus strand (C>T on the coding strand, the complement: PTCH1 is on the minus strand). VCF-style: chr9-95447355-G-A. GRCh37 (hg19) VCF-style: chr9-98209637-G-A.
Other names: c.3703C>T, p.Gln1235Ter (NM_001083602.3); c.3898C>T, p.Gln1300Ter (NM_001083603.3); c.3448C>T, p.Gln1150Ter (NM_001083604.3, NM_001083605.3, NM_001083606.3 and 1 more transcripts); c.3745C>T, p.Gln1249Ter (NM_001354918.2); short protein forms Q1150*, Q1235*, Q1249*, Q1300*, Q1301*.
Identifiers: ClinVar variation 2678084 (VCV002678084.2), dbSNP rs2136582554, ClinGen allele CA374110694.